The following is an entry in ClinVar:

NM_006662.3(SRCAP):c.492+3A>G

Gene: SRCAP (Snf2 related CREBBP activator protein; plus strand). Cytogenetic location: 16p11.2.
Variant type: single nucleotide variant.
Coding change: c.492+3A>G on transcript NM_006662.3 (MANE Select); 3 bases into the intron after coding-DNA position 492, A replaced by G.
Molecular consequence: intron variant.
Genome position (GRCh38, 1-based): chr16:30,707,371, A>G. VCF-style: chr16-30707371-A-G. GRCh37 (hg19) VCF-style: chr16-30718692-A-G.
Identifiers: ClinVar variation 1437058 (VCV001437058.7), dbSNP rs766539368, ClinGen allele CA8010678.

ClinVar aggregate classification (germline): Uncertain significance. Review status: criteria provided, multiple submitters, no conflicts (2 of 4 stars). 2 submissions from 2 submitters: Uncertain significance (2). Last evaluated 2024-12-16.

Conditions:
Developmental delay, hypotonia, musculoskeletal defects, and behavioral abnormalities. Identifiers: MedGen C5562012, MONDO:0859202, OMIM 619595.
Floating-Harbor syndrome (FLHS). Also called: SRCAP-Related Floating-Harbor Syndrome; Short stature with delayed bone age, expressive language delay, a triangular face with a prominent nose and deep-set eyes; Pelletier-Leisti syndrome. Identifiers: Orphanet 2044, MedGen C0729582, MONDO:0007621, OMIM 136140.

Allele frequency attached by ClinVar (database versions not stated): gnomAD exomes 0.00001 and 0.00004; ExAC 0.00002; TOPMed 0.00002.
gnomAD v4.1: 24 of 1,613,402 alleles (0.0015%); highest among the groups gnomAD compares: Admixed American, 0.013%; no homozygotes.

Submissions (2):

Labcorp Genetics (formerly Invitae), Labcorp
Classification: Uncertain significance. Last evaluated: 2024-12-16. Review status: criteria provided, single submitter. Criteria: Invitae Variant Classification Sherloc (09022015). Collection method: clinical testing. Allele origin: germline.
Comment: This sequence change falls in intron 5 of the SRCAP gene. It does not directly change the encoded amino acid sequence of the SRCAP protein. It affects a nucleotide within the consensus splice site. This variant is present in population databases (rs766539368, gnomAD 0.02%). This variant has not been reported in the literature in individuals affected with SRCAP-related conditions. ClinVar contains an entry for this variant (Variation ID: 1437058). Variants that disrupt the consensus splice site are a relatively common cause of aberrant splicing (PMID: 17576681, 9536098). Algorithms developed to predict the effect of sequence changes on RNA splicing suggest that this variant is not likely to affect RNA splicing. In summary, the available evidence is currently insufficient to determine the role of this variant in disease. Therefore, it has been classified as a Variant of Uncertain Significance.

Fulgent Genetics
Classification: Uncertain significance for Floating-Harbor syndrome; Developmental delay, hypotonia, musculoskeletal defects, and behavioral abnormalities. Last evaluated: 2022-02-17. Review status: criteria provided, single submitter. Criteria: ACMG Guidelines, 2015. Collection method: clinical testing. Allele origin: unknown.

Literature cited by the submitters: PubMed 17576681 (cited by Labcorp Genetics (formerly Invitae), Labcorp); PubMed 9536098 (cited by Labcorp Genetics (formerly Invitae), Labcorp).